The following is an entry in ClinVar:

NM_000384.3(APOB):c.640C>T (p.Arg214Cys)

Gene: APOB (apolipoprotein B; minus strand). Cytogenetic location: 2p24.1.
Variant type: single nucleotide variant.
Coding change: c.640C>T on transcript NM_000384.3 (MANE Select); coding-DNA position 640, C replaced by T.
Protein change: p.Arg214Cys; replaces arginine 214 with cysteine.
Molecular consequence: missense variant.
Genome position (GRCh38, 1-based): chr2:21,037,153, G>A on the plus strand (C>T on the coding strand, the complement: APOB is on the minus strand). VCF-style: chr2-21037153-G-A. GRCh37 (hg19) VCF-style: chr2-21260025-G-A.
Other names: short protein forms R214C.
Identifiers: ClinVar variation 1753371 (VCV001753371.6), dbSNP rs763352655, ClinGen allele CA063163.

ClinVar aggregate classification (germline): Conflicting classifications of pathogenicity. Review status: criteria provided, conflicting classifications (1 of 4 stars). 3 submissions from 3 submitters: Uncertain significance (1); Likely benign (2). Last evaluated 2024-05-24.

Conditions:
Familial hypobetalipoproteinemia 1. Also called: APOB-Related Familial Hypobetalipoproteinemia; Hypobetalipoproteinemia, normotriglyceridemic; Acanthocytosis with hypobetalipoproteinemia. Identifiers: MedGen C4551990, MONDO:0014252, OMIM 615558.
Hypercholesterolemia, autosomal dominant, type B (FHCL2). Also called: Hyperlipoproteinemia Type IIb; Familial hypercholesterolemia 2; Familial Hypercholesterolemia Type B; APOLIPOPROTEIN B-100, FAMILIAL DEFECTIVE; APOLIPOPROTEIN B-100, FAMILIAL LIGAND-DEFECTIVE; HYPERCHOLESTEROLEMIA, FAMILIAL, DUE TO LIGAND-DEFECTIVE APOLIPOPROTEIN B. Identifiers: MedGen C1704417, MONDO:0007751, OMIM 144010.
Cardiovascular phenotype. Identifiers: MedGen CN230736.

Allele frequency attached by ClinVar (database versions not stated): gnomAD exomes below 0.00001; ExAC 0.00001; gnomAD 0.00002.
gnomAD v4.1: 10 of 1,614,098 alleles (0.00062%); highest among the groups gnomAD compares: Admixed American, 0.0033%; no homozygotes.

Submissions (3):

Ambry Genetics
Classification: Likely benign for Cardiovascular phenotype. Last evaluated: 2024-05-24. Review status: criteria provided, single submitter. Criteria: Ambry Variant Classification Scheme 2023. Collection method: clinical testing. Allele origin: germline.

Labcorp Genetics (formerly Invitae), Labcorp
Classification: Likely benign for Familial hypobetalipoproteinemia 1; Hypercholesterolemia, autosomal dominant, type B. Last evaluated: 2024-04-17. Review status: criteria provided, single submitter. Criteria: Invitae Variant Classification Sherloc (09022015). Collection method: clinical testing. Allele origin: germline.

Quest Diagnostics Nichols Institute San Juan Capistrano
Classification: Uncertain significance. Last evaluated: 2024-03-19. Review status: criteria provided, single submitter. Criteria: Quest Diagnostics criteria. Collection method: clinical testing. Allele origin: unknown.
Comment: The APOB c.640C>T (p.Arg214Cys) variant has not been reported in individuals with APOB-related conditions in the published literature. The frequency of this variant in the general population, 0.0000071 (2/282858 chromosomes (Genome Aggregation Database)), is uninformative in the assessment of its pathogenicity. Analysis of this variant using bioinformatics tools for the prediction of the effect of amino acid changes on protein structure and function yielded conflicting predictions that this variant is benign or damaging. Based on the available information, we are unable to determine the clinical significance of this variant.